The following is an entry in ClinVar:

ClinVar aggregate classification (germline): Conflicting classifications of pathogenicity. Review status: criteria provided, conflicting classifications (1 of 4 stars). 2 submissions from 2 submitters: Uncertain significance (1); Likely benign (1). Last evaluated 2024-08-02.

Submissions (2):

Blueprint Genetics
Classification: Likely benign. Last evaluated: 2024-08-02. Review status: criteria provided, single submitter. Criteria: ACMG Guidelines, 2015. Collection method: clinical testing. Allele origin: germline.

Labcorp Genetics (formerly Invitae), Labcorp
Classification: Uncertain significance. Last evaluated: 2024-04-25. Review status: criteria provided, single submitter. Criteria: Invitae Variant Classification Sherloc (09022015). Collection method: clinical testing. Allele origin: germline.
Comment: This sequence change replaces asparagine, which is neutral and polar, with serine, which is neutral and polar, at codon 549 of the TWNK protein (p.Asn549Ser). This variant is present in population databases (rs747973790, gnomAD 0.006%). This variant has not been reported in the literature in individuals affected with TWNK-related conditions. Algorithms developed to predict the effect of missense changes on protein structure and function output the following: SIFT: "Not Available"; PolyPhen-2: "Benign"; Align-GVGD: "Not Available". The serine amino acid residue is found in multiple mammalian species, which suggests that this missense change does not adversely affect protein function. In summary, the available evidence is currently insufficient to determine the role of this variant in disease. Therefore, it has been classified as a Variant of Uncertain Significance.

NM_021830.5(TWNK):c.1646A>G (p.Asn549Ser)

Gene: TWNK (twinkle mtDNA helicase; plus strand). Cytogenetic location: 10q24.31.
Variant type: single nucleotide variant.
Coding change: c.1646A>G on transcript NM_021830.5 (MANE Select); coding-DNA position 1646, A replaced by G.
Protein change: p.Asn549Ser; replaces asparagine 549 with serine.
Molecular consequence: missense variant. On other transcripts: non-coding transcript variant (5).
Genome position (GRCh38, 1-based): chr10:100,990,922, A>G. VCF-style: chr10-100990922-A-G. GRCh37 (hg19) VCF-style: chr10-102750679-A-G.
Other names: c.1646A>G, p.Asn549Ser (NM_001163812.2); c.284A>G, p.Asn95Ser (NM_001163813.2, NM_001163814.2, NM_001368275.1); short protein forms N549S, N95S.
Identifiers: ClinVar variation 3605223 (VCV003605223.3).